The following is an entry in ClinVar:

NM_001297.5(CNGB1):c.315G>A (p.Trp105Ter)

Gene: CNGB1 (cyclic nucleotide gated channel subunit beta 1; minus strand). Cytogenetic location: 16q21.
Variant type: single nucleotide variant.
Coding change: c.315G>A on transcript NM_001297.5 (MANE Select); coding-DNA position 315, G replaced by A.
Protein change: p.Trp105Ter; replaces tryptophan 105 with a stop codon.
Molecular consequence: nonsense.
Genome position (GRCh38, 1-based): chr16:57,963,040, C>T on the plus strand (G>A on the coding strand, the complement: CNGB1 is on the minus strand). VCF-style: chr16-57963040-C-T. GRCh37 (hg19) VCF-style: chr16-57996944-C-T.
Other names: c.315G>A, p.Trp105Ter (NM_001135639.2, NM_001286130.2); short protein forms W105*.
Identifiers: ClinVar variation 489134 (VCV000489134.45), dbSNP rs1420628245, ClinGen allele CA396079763.
Genomic context (GRCh38, chr16:57,963,040, plus strand): 5'-CGGGTCCTCCGTGATGCTGTGAACAGGCTGCGGGATCACCTTCTCTACGCCCTTCATGAG[C>T]CAGGTCAGTACCCTGCGGCTGGGACTGCGATGGACAGAGACACCAGCCCGCCCTCAACTT-3'

ClinVar aggregate classification (germline): Pathogenic. Review status: criteria provided, multiple submitters, no conflicts (2 of 4 stars). 4 submissions from 4 submitters: Pathogenic (4). Last evaluated 2024-04-22.

Conditions:
Retinitis pigmentosa (RP). Identifiers: Orphanet 791, MedGen C0035334, MeSH D012174, MONDO:0019200, OMIM 268000. Inheritance: Autosomal dominant, autosomal recessive and X linked inheritance.
Retinitis pigmentosa 45 (RP45). Identifiers: Orphanet 791, MedGen C3151066, MONDO:0013413, OMIM 613767.

Allele frequency attached by ClinVar (database versions not stated): gnomAD exomes below 0.00001.
gnomAD v4.1: 1 of 1,613,258 alleles (0.000062%); highest among the groups gnomAD compares: Non-Finnish European, 0.000085%; no homozygotes.

Submissions (4):

Fulgent Genetics
Classification: Pathogenic for Retinitis pigmentosa 45. Last evaluated: 2024-04-22. Review status: criteria provided, single submitter. Criteria: ACMG Guidelines, 2015. Collection method: clinical testing. Allele origin: germline.

Molecular Genetics Laboratory, Institute for Ophthalmic Research
Classification: Pathogenic for Retinitis pigmentosa. Last evaluated: 2020-01-09. Review status: criteria provided, single submitter. Criteria: ACMG Guidelines, 2015. Collection method: research. Allele origin: germline. Affected: yes.

CeGaT Center for Human Genetics Tuebingen
Classification: Pathogenic. Last evaluated: 2019-01-01. Review status: criteria provided, single submitter. Criteria: CeGaT Center For Human Genetics Tuebingen Variant Classification Criteria Version 2. Collection method: clinical testing. Allele origin: germline. Affected: yes. Observed: 1 variant allele.

GeneDx
Classification: Pathogenic. Last evaluated: 2017-11-21. Review status: criteria provided, single submitter. Criteria: GeneDx Variant Classification (06012015). Collection method: clinical testing. Allele origin: germline. Affected: yes.
Comment: The W105X variant in the CNGB1 gene has not been reported previously as a pathogenic variant nor as a benign variant, to our knowledge. This variant is predicted to cause loss of normal protein function either through protein truncation or nonsense-mediated mRNA decay. The W105X variant is not observed in large population cohorts (Lek et al., 2016). We interpret W105X as a pathogenic variant.